The following is an entry in ClinVar:

NM_000051.4(ATM):c.3414T>C (p.Ala1138=)

Gene: ATM (ATM serine/threonine kinase; plus strand). Cytogenetic location: 11q22.3.
Variant type: single nucleotide variant.
Coding change: c.3414T>C on transcript NM_000051.4 (MANE Select); coding-DNA position 3414, T replaced by C.
Protein change: p.Ala1138=; no amino-acid change (alanine 1138 retained).
Molecular consequence: synonymous variant.
Genome position (GRCh38, 1-based): chr11:108,281,006, T>C. VCF-style: chr11-108281006-T-C. GRCh37 (hg19) VCF-style: chr11-108151733-T-C.
Other names: c.3414T>C, p.Ala1138= (NM_001351834.2).
Identifiers: ClinVar variation 630505 (VCV000630505.4), dbSNP rs1565441410, ClinGen allele CA476672786.

ClinVar aggregate classification (germline): Benign/Likely benign. Review status: criteria provided, multiple submitters, no conflicts (2 of 4 stars). 3 submissions from 3 submitters: Benign (1); Likely benign (2). Last evaluated 2026-01-26.

Conditions:
Hereditary cancer-predisposing syndrome. Also called: Hereditary Cancer Syndrome; Neoplastic Syndromes, Hereditary; Tumor predisposition; Hereditary neoplastic syndrome. Identifiers: Orphanet 140162, MedGen C0027672, MeSH D009386, MONDO:0015356.
Familial cancer of breast. Also called: BREAST CANCER, FAMILIAL; hereditary breast carcinoma; Hereditary breast cancer. Identifiers: Orphanet 227535, MedGen C0346153, MONDO:0016419, OMIM 114480. Disease mechanism: loss of function.
Ataxia-telangiectasia syndrome (AT). Also called: Ataxia-telangiectasia, complementation group D; AT, COMPLEMENTATION GROUP C; Ataxia-telangiectasia; ATAXIA-TELANGIECTASIA, COMPLEMENTATION GROUP A; ATAXIA-TELANGIECTASIA, FRESNO VARIANT; LOUIS-BAR SYNDROME. Identifiers: Orphanet 100, MedGen C0004135, MONDO:0008840, OMIM 208900.

Allele frequency attached by ClinVar (database versions not stated): gnomAD exomes below 0.00001.
gnomAD v4.1: 2 of 1,611,472 alleles (0.00012%); highest among the groups gnomAD compares: South Asian, 0.0011%; no homozygotes.

Submissions (3):

Labcorp Genetics (formerly Invitae), Labcorp
Classification: Likely benign for Ataxia-telangiectasia syndrome. Last evaluated: 2026-01-26. Review status: criteria provided, single submitter. Criteria: Invitae Variant Classification Sherloc (09022015). Collection method: clinical testing. Allele origin: germline.

Myriad Genetics, Inc.
Classification: Benign for Familial cancer of breast. Last evaluated: 2024-05-14. Review status: criteria provided, single submitter. Criteria: Myriad Autosomal Dominant, Autosomal Recessive and X-Linked Classification Criteria (2023). Collection method: clinical testing. Allele origin: unknown.
Comment: This variant is considered benign. This variant is a silent/synonymous amino acid change and it is not expected to impact splicing.

Color Diagnostics, LLC DBA Color Health
Classification: Likely benign for Hereditary cancer-predisposing syndrome. Last evaluated: 2018-05-22. Review status: criteria provided, single submitter. Criteria: ACMG Guidelines, 2015. Collection method: clinical testing. Allele origin: germline.